The following is an entry in ClinVar:

ClinVar aggregate classification (germline): Uncertain significance (1 of 4 stars; one submission).

Conditions:
Leukodystrophy, hypomyelinating, 7, with or without oligodontia and/or hypogonadotropic hypogonadism (HLD7). Also called: LEUKODYSTROPHY, HYPOMYELINATING, 7, WITH OLIGODONTIA; LEUKODYSTROPHY, HYPOMYELINATING, 7, WITH OLIGODONTIA AND HYPOGONADOTROPIC HYPOGONADISM; LEUKODYSTROPHY, HYPOMYELINATING, 7, WITHOUT OLIGODONTIA OR HYPOGONADOTROPIC HYPOGONADISM; LEUKOENCEPHALOPATHY, HYPOMYELINATING, WITH ATAXIA AND DELAYED DENTITION; ATAXIA, DELAYED DENTITION, AND HYPOMYELINATION; Ataxia, Delayed Dentition and Hypomyelination (ADDH). Identifiers: Orphanet 137639, Orphanet 447893, Orphanet 447896, Orphanet 77295, Orphanet 88637, MedGen CN034185, MONDO:0011897, OMIM 607694.

Submission:

Baylor Genetics
Classification: Uncertain significance for Leukodystrophy, hypomyelinating, 7, with or without oligodontia and/or hypogonadotropic hypogonadism. Last evaluated: 2018-03-02. Review status: criteria provided, single submitter. Criteria: ACMG Guidelines, 2015. Collection method: clinical testing. Allele origin: maternal. Affected: yes.
Comment: This variant was determined to be of uncertain significance according to ACMG Guidelines, 2015 [PMID:25741868].

NM_007055.4(POLR3A):c.4012G>A (p.Asp1338Asn)

Gene: POLR3A (RNA polymerase III subunit A; minus strand). Cytogenetic location: 10q22.3.
Variant type: single nucleotide variant.
Coding change: c.4012G>A on transcript NM_007055.4 (MANE Select); coding-DNA position 4012, G replaced by A.
Protein change: p.Asp1338Asn; replaces aspartic acid 1338 with asparagine.
Molecular consequence: missense variant.
Genome position (GRCh38, 1-based): chr10:77,980,153, C>T on the plus strand (G>A on the coding strand, the complement: POLR3A is on the minus strand). VCF-style: chr10-77980153-C-T. GRCh37 (hg19) VCF-style: chr10-79739911-C-T.
Other names: short protein forms D1338N.
Identifiers: ClinVar variation 1034346 (VCV001034346.1), dbSNP rs1397746244, ClinGen allele CA377325950.